The following is an entry in ClinVar:

ClinVar aggregate classification (germline): Uncertain significance (1 of 4 stars; one submission).

Submission:

Labcorp Genetics (formerly Invitae), Labcorp
Classification: Uncertain significance. Last evaluated: 2025-10-06. Review status: criteria provided, single submitter. Criteria: Invitae Variant Classification Sherloc (09022015). Collection method: clinical testing. Allele origin: germline.
Comment: This sequence change replaces threonine, which is neutral and polar, with proline, which is neutral and non-polar, at codon 1470 of the SON protein (p.Thr1470Pro). This variant is not present in population databases (gnomAD no frequency). This variant has not been reported in the literature in individuals affected with SON-related conditions. ClinVar contains an entry for this variant (Variation ID: 1480536). An algorithm developed to predict the effect of missense changes on protein structure and function (PolyPhen-2) suggests that this variant is likely to be disruptive. In summary, the available evidence is currently insufficient to determine the role of this variant in disease. Therefore, it has been classified as a Variant of Uncertain Significance.

NM_138927.4(SON):c.4408A>C (p.Thr1470Pro)

Gene: SON (SON DNA and RNA binding protein; plus strand). Cytogenetic location: 21q22.11.
Variant type: single nucleotide variant.
Coding change: c.4408A>C on transcript NM_138927.4 (MANE Select); coding-DNA position 4408, A replaced by C.
Protein change: p.Thr1470Pro; replaces threonine 1470 with proline.
Molecular consequence: missense variant. On other transcripts: non-coding transcript variant (1), intron variant (1).
Genome position (GRCh38, 1-based): chr21:33,553,639, A>C. VCF-style: chr21-33553639-A-C. GRCh37 (hg19) VCF-style: chr21-34925945-A-C.
Other names: c.4408A>C, p.Thr1470Pro (NM_001291411.2, NM_032195.3); c.245-3517A>C (NM_001291412.3); short protein forms T1470P.
Identifiers: ClinVar variation 1480536 (VCV001480536.6), dbSNP rs2085873805, ClinGen allele CA410162556.